The following is an entry in ClinVar:

NM_002473.6(MYH9):c.3109C>T (p.Arg1037Cys)

Gene: MYH9 (myosin heavy chain 9; minus strand). Cytogenetic location: 22q12.3.
Variant type: single nucleotide variant.
Coding change: c.3109C>T on transcript NM_002473.6 (MANE Select); coding-DNA position 3109, C replaced by T.
Protein change: p.Arg1037Cys; replaces arginine 1037 with cysteine.
Molecular consequence: missense variant.
Genome position (GRCh38, 1-based): chr22:36,297,006, G>A on the plus strand (C>T on the coding strand, the complement: MYH9 is on the minus strand). VCF-style: chr22-36297006-G-A. GRCh37 (hg19) VCF-style: chr22-36693052-G-A.
Other names: c.3109C>T (NM_002473.4); short protein forms R1037C.
Identifiers: ClinVar variation 3587977 (VCV003587977.2).

ClinVar aggregate classification (germline): Uncertain significance. Review status: criteria provided, multiple submitters, no conflicts (2 of 4 stars). 2 submissions from 2 submitters: Uncertain significance (2). Last evaluated 2024-09-13.

Conditions:
Macrothrombocytopenia and granulocyte inclusions with or without nephritis or sensorineural hearing loss (MATINS). Also called: SEBASTIAN PLATELET SYNDROME; MACROTHROMBOCYTOPENIA WITH DISPERSED LEUKOCYTIC INCLUSIONS; MACROTHROMBOCYTOPENIA, NEPHRITIS, AND DEAFNESS; MACROTHROMBOCYTOPENIA, NEPHRITIS, DEAFNESS, AND LEUKOCYTE INCLUSIONS; ALPORT SYNDROME WITH MACROTHROMBOCYTOPENIA; Fechtner syndrome. Identifiers: Orphanet 182050, MedGen C5200934, MONDO:0015912, OMIM 155100.
Autosomal dominant nonsyndromic hearing loss 17. Also called: Deafness, autosomal dominant 17; Autosomal dominant nonsyndromic deafness 17. Identifiers: Orphanet 90635, MedGen C1863659, MONDO:0011350, OMIM 603622.

gnomAD v4.1: 7 of 1,613,926 alleles (0.00043%); highest among the groups gnomAD compares: African/African-American, 0.0013%; no homozygotes.

Submissions (2):

GeneDx
Classification: Uncertain significance. Last evaluated: 2024-09-13. Review status: criteria provided, single submitter. Criteria: GeneDx Variant Classification Process June 2021. Collection method: clinical testing. Allele origin: germline. Affected: yes.
Comment: In silico analysis supports that this missense variant has a deleterious effect on protein structure/function; Has not been previously published as pathogenic or benign to our knowledge

Fulgent Genetics
Classification: Uncertain significance for Macrothrombocytopenia and granulocyte inclusions with or without nephritis or sensorineural hearing loss; Autosomal dominant nonsyndromic hearing loss 17. Last evaluated: 2024-05-13. Review status: criteria provided, single submitter. Criteria: ACMG Guidelines, 2015. Collection method: clinical testing. Allele origin: germline.